The following is an entry in ClinVar:

NM_001267550.2(TTN):c.81919GTT[1] (p.Val27308del)

Genes: TTN (titin; minus strand), TTN-AS1 (TTN antisense RNA 1; plus strand). Cytogenetic location: 2q31.2.
Variant type: Microsatellite.
Coding change: c.81919GTT[1] on transcript NM_001267550.2 (MANE Select); one copy of the 3-base unit GTT starting at c.81919; the reference has two copies in a row; one copy, 3 bases deleted.
Protein change: p.Val27308del; deletes valine 27308.
Genome position (GRCh38, 1-based): chr2:178,564,208-178,564,210, AAC deleted on the plus strand (GTT on the coding strand, the reverse complement: TTN is on the minus strand); deleting any 3 consecutive bases within chr2:178,564,208-178,564,214 gives the same sequence; the position shown is the placement nearest the transcript's 3' end. VCF-style (leftmost placement, unchanged base first): chr2-178564207-AAAC-A. GRCh37 (hg19) VCF-style: chr2-179428934-AAAC-A.
Other names: c.74215GTT[1], p.Val24740del (NM_133378.4); c.55099GTT[1], p.Val18368del (NM_133432.3); c.55300GTT[1], p.Val18435del (NM_133437.4); c.76996GTT[1], p.Val25667del (NM_001256850.1); c.54724GTT[1], p.Val18243del (NM_003319.4); c.54727_54729delGTT (NM_003319.4); short protein forms V18243del, V25667del, V18368del, V18435del, V24740del, V27308del.
Identifiers: ClinVar variation 4193736 (VCV004193736.1).

ClinVar aggregate classification (germline): Uncertain significance (1 of 4 stars; one submission).

Conditions:
Cardiovascular phenotype. Identifiers: MedGen CN230736.

Submission:

Ambry Genetics
Classification: Uncertain significance for Cardiovascular phenotype. Last evaluated: 2025-07-29. Review status: criteria provided, single submitter. Criteria: Ambry Variant Classification Scheme 2023. Collection method: clinical testing. Allele origin: germline.
Comment: The c.54727_54729delGTT variant (also known as p.V18243del) is located in coding exon 153 of the TTN gene. This variant results from an in-frame GTT deletion at nucleotide positions 54727 to 54729. This results in the in-frame deletion of a valine at codon 18243. This amino acid position is not well conserved in available vertebrate species. In addition, this variant is predicted to be deleterious by in silico analysis (Choi Y et al. PLoS ONE. 2012; 7(10):e46688). Based on the available evidence, the clinical significance of this variant remains unclear.